The following is an entry in ClinVar:

ClinVar aggregate classification (germline): Uncertain significance. Review status: criteria provided, multiple submitters, no conflicts (2 of 4 stars). 2 submissions from 2 submitters: Uncertain significance (2). Last evaluated 2025-09-28.

Conditions:
Myopathy, centronuclear, 2 (CNM2). Also called: MYOTUBULAR MYOPATHY, AUTOSOMAL RECESSIVE. Identifiers: Orphanet 169186, MedGen CN031787, MONDO:0009709, OMIM 255200.

Allele frequency attached by ClinVar (database versions not stated): gnomAD 0.00001; gnomAD exomes 0.00001; TOPMed below 0.00001; ExAC 0.00002.
gnomAD v4.1: 19 of 1,613,092 alleles (0.0012%); highest among the groups gnomAD compares: East Asian, 0.0045%; no homozygotes.

Submissions (2):

Labcorp Genetics (formerly Invitae), Labcorp
Classification: Uncertain significance for Myopathy, centronuclear, 2. Last evaluated: 2025-09-28. Review status: criteria provided, single submitter. Criteria: Invitae Variant Classification Sherloc (09022015). Collection method: clinical testing. Allele origin: germline.
Comment: This sequence change replaces valine, which is neutral and non-polar, with methionine, which is neutral and non-polar, at codon 566 of the BIN1 protein (p.Val566Met). This variant is present in population databases (rs761759946, gnomAD 0.002%). This variant has not been reported in the literature in individuals affected with BIN1-related conditions. ClinVar contains an entry for this variant (Variation ID: 1027742). Invitae Evidence Modeling of protein sequence and biophysical properties (such as structural, functional, and spatial information, amino acid conservation, physicochemical variation, residue mobility, and thermodynamic stability) indicates that this missense variant is not expected to disrupt BIN1 protein function with a negative predictive value of 80%. In summary, the available evidence is currently insufficient to determine the role of this variant in disease. Therefore, it has been classified as a Variant of Uncertain Significance.

Baylor Genetics
Classification: Uncertain significance for Myopathy, centronuclear, 2. Last evaluated: 2019-08-03. Review status: criteria provided, single submitter. Criteria: ACMG Guidelines, 2015. Collection method: clinical testing. Allele origin: de novo. Affected: yes.
Comment: This variant was determined to be of uncertain significance according to ACMG Guidelines, 2015 [PMID:25741868].

NM_139343.3(BIN1):c.1696G>A (p.Val566Met)

Gene: BIN1 (bridging integrator 1; minus strand). Cytogenetic location: 2q14.3.
Variant type: single nucleotide variant.
Coding change: c.1696G>A on transcript NM_139343.3 (MANE Select); coding-DNA position 1696, G replaced by A.
Protein change: p.Val566Met; replaces valine 566 with methionine.
Molecular consequence: missense variant.
Genome position (GRCh38, 1-based): chr2:127,048,612, C>T on the plus strand (G>A on the coding strand, the complement: BIN1 is on the minus strand). VCF-style: chr2-127048612-C-T. GRCh37 (hg19) VCF-style: chr2-127806188-C-T.
Other names: c.1279G>A, p.Val427Met (NM_004305.4); c.1567G>A, p.Val523Met (NM_139344.3); c.1435G>A, p.Val479Met (NM_139345.3); c.1408G>A, p.Val470Met (NM_139346.3); c.1471G>A, p.Val491Met (NM_139347.3); c.1363G>A, p.Val455Met (NM_139348.3); c.1342G>A, p.Val448Met (NM_139349.3); c.1234G>A, p.Val412Met (NM_139350.3); and 7 more; short protein forms V397M, V491M, V539M, V358M, V427M, V443M, V523M, V412M.
Identifiers: ClinVar variation 1027742 (VCV001027742.5), dbSNP rs761759946, ClinGen allele CA1856934.